The following is an entry in ClinVar:

NM_001256789.3(CACNA1F):c.3500C>T (p.Pro1167Leu)

Gene: CACNA1F (calcium voltage-gated channel subunit alpha1 F; minus strand). Cytogenetic location: Xp11.23.
Variant type: single nucleotide variant.
Coding change: c.3500C>T on transcript NM_001256789.3 (MANE Select); coding-DNA position 3500, C replaced by T.
Protein change: p.Pro1167Leu; replaces proline 1167 with leucine.
Molecular consequence: missense variant.
Genome position (GRCh38, 1-based): chrX:49,215,183, G>A on the plus strand (C>T on the coding strand, the complement: CACNA1F is on the minus strand). VCF-style: chrX-49215183-G-A. GRCh37 (hg19) VCF-style: chrX-49071643-G-A.
Other names: c.3338C>T, p.Pro1113Leu (NM_001256790.3); c.3533C>T, p.Pro1178Leu (NM_005183.4); short protein forms P1113L, P1167L, P1178L.
Identifiers: ClinVar variation 1051112 (VCV001051112.11), dbSNP rs782564122, ClinGen allele CA10410437.

ClinVar aggregate classification (germline): Conflicting classifications of pathogenicity. Review status: criteria provided, conflicting classifications (1 of 4 stars). 3 submissions from 3 submitters: Uncertain significance (2); Likely benign (1). Last evaluated 2025-09-05.

Allele frequency attached by ClinVar (database versions not stated): gnomAD 0.00002; TOPMed 0.00003; gnomAD exomes 0.00005; ExAC 0.00006.
gnomAD v4.1: 54 of 1,208,211 alleles (0.0045%); highest among the groups gnomAD compares: Admixed American, 0.022%; no homozygotes.

Submissions (3):

Labcorp Genetics (formerly Invitae), Labcorp
Classification: Uncertain significance. Last evaluated: 2025-09-05. Review status: criteria provided, single submitter. Criteria: Invitae Variant Classification Sherloc (09022015). Collection method: clinical testing. Allele origin: germline.
Comment: This sequence change replaces proline, which is neutral and non-polar, with leucine, which is neutral and non-polar, at codon 1178 of the CACNA1F protein (p.Pro1178Leu). This variant is present in population databases (rs782564122, gnomAD 0.03%), and has an allele count higher than expected for a pathogenic variant. This variant has not been reported in the literature in individuals affected with CACNA1F-related conditions. ClinVar contains an entry for this variant (Variation ID: 1051112). Invitae Evidence Modeling of protein sequence and biophysical properties (such as structural, functional, and spatial information, amino acid conservation, physicochemical variation, residue mobility, and thermodynamic stability) indicates that this missense variant is not expected to disrupt CACNA1F protein function with a negative predictive value of 80%. In summary, the available evidence is currently insufficient to determine the role of this variant in disease. Therefore, it has been classified as a Variant of Uncertain Significance.

Blueprint Genetics
Classification: Likely benign. Last evaluated: 2019-12-10. Review status: criteria provided, single submitter. Criteria: ACMG Guidelines, 2015. Collection method: clinical testing. Allele origin: germline.

GeneDx
Classification: Uncertain significance. Last evaluated: 2019-07-05. Review status: criteria provided, single submitter. Criteria: GeneDx Variant Classification Process June 2021. Collection method: clinical testing. Allele origin: germline. Affected: yes.
Comment: In silico analysis, which includes protein predictors and evolutionary conservation, supports a deleterious effect; Has not been previously published as pathogenic or benign to our knowledge